The following is an entry in ClinVar:

ClinVar aggregate classification (germline): Uncertain significance (1 of 4 stars; one submission).

Conditions:
Cardiovascular phenotype. Identifiers: MedGen CN230736.

gnomAD v4.1: 1 of 1,613,596 alleles (0.000062%); highest among the groups gnomAD compares: Non-Finnish European, 0.000085%; no homozygotes.

Submission:

Ambry Genetics
Classification: Uncertain significance for Cardiovascular phenotype. Last evaluated: 2026-07-20. Review status: criteria provided, single submitter. Criteria: Ambry Variant Classification Scheme 2023. Collection method: clinical testing. Allele origin: germline.
Comment: The p.E1823K variant (also known as c.5467G>A), located in coding exon 24 of the DSP gene, results from a G to A substitution at nucleotide position 5467. The glutamic acid at codon 1823 is replaced by lysine, an amino acid with similar properties. This amino acid position is highly conserved in available vertebrate species. In addition, the in silico prediction for this alteration is inconclusive. Based on the available evidence, the clinical significance of this variant remains unclear.

NM_004415.4(DSP):c.5467G>A (p.Glu1823Lys)

Gene: DSP (desmoplakin; plus strand). Cytogenetic location: 6p24.3.
Variant type: single nucleotide variant.
Coding change: c.5467G>A on transcript NM_004415.4 (MANE Select); coding-DNA position 5467, G replaced by A.
Protein change: p.Glu1823Lys; replaces glutamic acid 1823 with lysine.
Molecular consequence: missense variant.
Genome position (GRCh38, 1-based): chr6:7,582,729, G>A. VCF-style: chr6-7582729-G-A. GRCh37 (hg19) VCF-style: chr6-7582962-G-A.
Other names: c.3670G>A, p.Glu1224Lys (NM_001008844.3); c.4138G>A, p.Glu1380Lys (NM_001319034.2); short protein forms E1224K, E1380K, E1823K.
Identifiers: ClinVar variation 5035626 (VCV005035626.1).